The following is an entry in ClinVar:

ClinVar aggregate classification (germline): Uncertain significance (1 of 4 stars; one submission).

Conditions:
Retinoblastoma (RB1). Also called: RETINOBLASTOMA, SOMATIC. Identifiers: Orphanet 790, MedGen C0035335, MeSH D012175, MONDO:0008380, OMIM 180200, HP:0009919. Disease mechanism: loss of function. Inheritance: Both sporadic and heritable forms are tested..

Submission:

Labcorp Genetics (formerly Invitae), Labcorp
Classification: Uncertain significance for Retinoblastoma. Last evaluated: 2024-05-12. Review status: criteria provided, single submitter. Criteria: Invitae Variant Classification Sherloc (09022015). Collection method: clinical testing. Allele origin: germline.
Comment: This sequence change replaces glutamic acid, which is acidic and polar, with glutamine, which is neutral and polar, at codon 843 of the RB1 protein (p.Glu843Gln). This variant is not present in population databases (gnomAD no frequency). This variant has not been reported in the literature in individuals affected with RB1-related conditions. ClinVar contains an entry for this variant (Variation ID: 578745). Advanced modeling of protein sequence and biophysical properties (such as structural, functional, and spatial information, amino acid conservation, physicochemical variation, residue mobility, and thermodynamic stability) performed at Invitae indicates that this missense variant is not expected to disrupt RB1 protein function with a negative predictive value of 80%. In summary, the available evidence is currently insufficient to determine the role of this variant in disease. Therefore, it has been classified as a Variant of Uncertain Significance.

NM_000321.3(RB1):c.2527G>C (p.Glu843Gln)

Gene: RB1 (RB transcriptional corepressor 1; plus strand). Cytogenetic location: 13q14.2.
Variant type: single nucleotide variant.
Coding change: c.2527G>C on transcript NM_000321.3 (MANE Select); coding-DNA position 2527, G replaced by C.
Protein change: p.Glu843Gln; replaces glutamic acid 843 with glutamine.
Molecular consequence: missense variant.
Genome position (GRCh38, 1-based): chr13:48,476,707, G>C. VCF-style: chr13-48476707-G-C. GRCh37 (hg19) VCF-style: chr13-49050843-G-C.
Other names: short protein forms E843Q.
Identifiers: ClinVar variation 578745 (VCV000578745.8), dbSNP rs1566240914, ClinGen allele CA388168190.
Genomic context (GRCh38, chr13:48,476,707, plus strand): 5'-ACTATGAAACACTGGCATTTAATGATTTAAAGTAAAGAATTCTGTAATTTGTAGACTTCT[G>C]AGAAGTTCCAGAAAATAAATCAGATGGTATGTAACAGCGACCGTGTGCTCAAAAGAAGTG-3'
Protein context (NP_000312.2, residues 833-853): VSIGESFGTS[Glu843Gln]KFQKINQMVC